The following is an entry in ClinVar:

ClinVar aggregate classification (germline): Uncertain significance (1 of 4 stars; one submission).

Conditions:
Erythrocytosis, familial, 3 (ECYT3). Identifiers: Orphanet 247511, MedGen C1853286, MONDO:0012353, OMIM 609820.

Submission:

Labcorp Genetics (formerly Invitae), Labcorp
Classification: Uncertain significance for Erythrocytosis, familial, 3. Last evaluated: 2023-06-24. Review status: criteria provided, single submitter. Criteria: Invitae Variant Classification Sherloc (09022015). Collection method: clinical testing. Allele origin: germline.
Comment: In summary, the available evidence is currently insufficient to determine the role of this variant in disease. Therefore, it has been classified as a Variant of Uncertain Significance. An algorithm developed to predict the effect of missense changes on protein structure and function (PolyPhen-2) suggests that this variant is likely to be tolerated. This variant has not been reported in the literature in individuals affected with EGLN1-related conditions. This variant is not present in population databases (gnomAD no frequency). This sequence change replaces alanine, which is neutral and non-polar, with glycine, which is neutral and non-polar, at codon 228 of the EGLN1 protein (p.Ala228Gly).

NM_022051.3(EGLN1):c.683C>G (p.Ala228Gly)

Gene: EGLN1 (egl-9 family hypoxia inducible factor 1; minus strand). Cytogenetic location: 1q42.2.
Variant type: single nucleotide variant.
Coding change: c.683C>G on transcript NM_022051.3 (MANE Select); coding-DNA position 683, C replaced by G.
Protein change: p.Ala228Gly; replaces alanine 228 with glycine.
Molecular consequence: missense variant.
Genome position (GRCh38, 1-based): chr1:231,421,206, G>C on the plus strand (C>G on the coding strand, the complement: EGLN1 is on the minus strand). VCF-style: chr1-231421206-G-C. GRCh37 (hg19) VCF-style: chr1-231556952-G-C.
Other names: c.683C>G, p.Ala228Gly (NM_001377260.1, NM_001377261.1); short protein forms A228G.
Identifiers: ClinVar variation 2727678 (VCV002727678.3), dbSNP rs2527358967, ClinGen allele CA345235902.